The following is an entry in ClinVar:

ClinVar aggregate classification (germline): Uncertain significance. Review status: criteria provided, multiple submitters, no conflicts (2 of 4 stars). 2 submissions from 2 submitters: Uncertain significance (2). Last evaluated 2023-11-13.

Allele frequency attached by ClinVar (database versions not stated): TOPMed 0.00001; gnomAD exomes 0.00002.
gnomAD v4.1: 18 of 1,211,398 alleles (0.0015%); highest among the groups gnomAD compares: Non-Finnish European, 0.002%; no homozygotes.

Submissions (2):

Ambry Genetics
Classification: Uncertain significance. Last evaluated: 2023-11-13. Review status: criteria provided, single submitter. Criteria: Ambry Variant Classification Scheme 2023. Collection method: clinical testing. Allele origin: germline.

Labcorp Genetics (formerly Invitae), Labcorp
Classification: Uncertain significance. Last evaluated: 2023-08-30. Review status: criteria provided, single submitter. Criteria: Invitae Variant Classification Sherloc (09022015). Collection method: clinical testing. Allele origin: germline.
Comment: This sequence change replaces glutamine, which is neutral and polar, with arginine, which is basic and polar, at codon 104 of the SH3KBP1 protein (p.Gln104Arg). This variant is present in population databases (no rsID available, gnomAD 0.001%). In summary, the available evidence is currently insufficient to determine the role of this variant in disease. Therefore, it has been classified as a Variant of Uncertain Significance. Advanced modeling of protein sequence and biophysical properties (such as structural, functional, and spatial information, amino acid conservation, physicochemical variation, residue mobility, and thermodynamic stability) performed at Invitae indicates that this missense variant is not expected to disrupt SH3KBP1 protein function. This variant has not been reported in the literature in individuals affected with SH3KBP1-related conditions.

NM_031892.3(SH3KBP1):c.311A>G (p.Gln104Arg)

Gene: SH3KBP1 (SH3 domain containing kinase binding protein 1; minus strand). Cytogenetic location: Xp22.12.
Variant type: single nucleotide variant.
Coding change: c.311A>G on transcript NM_031892.3 (MANE Select); coding-DNA position 311, A replaced by G.
Protein change: p.Gln104Arg; replaces glutamine 104 with arginine.
Molecular consequence: missense variant.
Genome position (GRCh38, 1-based): chrX:19,706,960, T>C on the plus strand (A>G on the coding strand, the complement: SH3KBP1 is on the minus strand). VCF-style: chrX-19706960-T-C. GRCh37 (hg19) VCF-style: chrX-19725078-T-C.
Other names: c.200A>G, p.Gln67Arg (NM_001024666.3); c.311A>G, p.Gln104Arg (NM_001353890.2, NM_001353891.2, NM_001353892.2 and 2 more transcripts); c.134A>G, p.Gln45Arg (NM_001353893.2, NM_001353894.2, NM_001353895.2 and 1 more transcripts); c.311A>G (NM_031892.2); short protein forms Q45R, Q104R, Q67R.
Identifiers: ClinVar variation 2994266 (VCV002994266.4), dbSNP rs1185238085, ClinGen allele CA412500656.